The following is an entry in ClinVar:

ClinVar aggregate classification (germline): Likely benign. Review status: criteria provided, multiple submitters, no conflicts (2 of 4 stars). 3 submissions from 3 submitters: Likely benign (2). 1 of the submissions does not count toward it. Last evaluated 2025-11-04.

Conditions:
EPS8-related disorder. Also called: EPS8-related condition.

Allele frequency attached by ClinVar (database versions not stated): ExAC 0.00004; gnomAD exomes 0.00006 and 0.00023; TOPMed 0.00008; gnomAD 0.00010 and 0.00011; ESP Exome Variant Server 0.00015.
gnomAD v4.1: 356 of 1,613,538 alleles (0.022%); highest among the groups gnomAD compares: Non-Finnish European, 0.028%; no homozygotes.

Submissions (3):

Labcorp Genetics (formerly Invitae), Labcorp
Classification: Likely benign. Last evaluated: 2025-11-04. Review status: criteria provided, single submitter. Criteria: Invitae Variant Classification Sherloc (09022015). Collection method: clinical testing. Allele origin: germline.

Blueprint Genetics
Classification: Likely benign. Last evaluated: 2024-09-23. Review status: criteria provided, single submitter. Criteria: ACMG Guidelines, 2015. Collection method: clinical testing. Allele origin: germline.

PreventionGenetics, part of Exact Sciences
Classification: Likely benign for EPS8-related condition. Last evaluated: 2019-11-26. Review status: no assertion criteria provided. Collection method: clinical testing. Allele origin: germline. Not counted in ClinVar's aggregate classification.
Comment: This variant is classified as likely benign based on ACMG/AMP sequence variant interpretation guidelines (Richards et al. 2015 PMID: 25741868, with internal and published modifications).

NM_004447.6(EPS8):c.1689T>C (p.Asp563=)

Gene: EPS8 (EGFR pathway substrate 8, signaling adaptor; minus strand). Cytogenetic location: 12p12.3.
Variant type: single nucleotide variant.
Coding change: c.1689T>C on transcript NM_004447.6 (MANE Select); coding-DNA position 1689, T replaced by C.
Protein change: p.Asp563=; no amino-acid change (aspartic acid 563 retained).
Molecular consequence: synonymous variant.
Genome position (GRCh38, 1-based): chr12:15,640,835, A>G on the plus strand (T>C on the coding strand, the complement: EPS8 is on the minus strand). VCF-style: chr12-15640835-A-G. GRCh37 (hg19) VCF-style: chr12-15793769-A-G.
Other names: c.1689T>C (NM_004447.5).
Identifiers: ClinVar variation 1636013 (VCV001636013.11), dbSNP rs369420802, ClinGen allele CA6467461.